The following is an entry in ClinVar:

NM_001999.4(FBN2):c.3724+2T>C

Gene: FBN2 (fibrillin 2; minus strand). Cytogenetic location: 5q23.3.
Variant type: single nucleotide variant.
Coding change: c.3724+2T>C on transcript NM_001999.4 (MANE Select); the canonical splice donor site of the intron after coding-DNA position 3724, T replaced by C.
Molecular consequence: splice donor variant.
Genome position (GRCh38, 1-based): chr5:128,335,986, A>G on the plus strand (T>C on the coding strand, the complement: FBN2 is on the minus strand). VCF-style: chr5-128335986-A-G. GRCh37 (hg19) VCF-style: chr5-127671678-A-G.
Identifiers: ClinVar variation 213320 (VCV000213320.2), dbSNP rs863223570, ClinGen allele CA324547.
Genomic context (GRCh38, chr5:128,335,986, plus strand): 5'-CAAAAGTTTTCCTAGGCTGATTTGAGACATATGAGTTTCAGGCCTGCTTGGTCTCCCCTT[A>G]CCTGTACAGCCCTGGCGGTCTGGCGTAGCCTGATATCCAGGATTGCAAGAGCACTGATAG-3'

ClinVar aggregate classification (germline): Pathogenic (1 of 4 stars; one submission).

Submission:

GeneDx
Classification: Pathogenic. Last evaluated: 2013-11-01. Review status: criteria provided, single submitter. Criteria: GeneDx Variant Classification (06012015). Collection method: clinical testing. Allele origin: germline. Affected: yes.
Comment: c.3724+2 T>C: IVS28+2 T>C in intron 28 of the FBN2 gene (NM_001999.3) Although the c.3724+2 T>C mutation has not been reported as a disease-causing mutation or as a benign polymorphism to our knowledge, this mutation destroys the canonical splice donor site in intron 28 and is predicted to cause abnormal gene splicing. The mutation is predicted to lead to either an abnormal message that is subject to nonsense-mediated mRNA decay, or to an abnormal protein product if the message is used for protein translation. Other splice site mutations in the FBN2 gene have been reported in association with contractural arachnodactyly. In summary, c.3724+2 T>C in the FBN2 gene is interpreted as a disease-causing mutation. This variant was found in TAAD